The following is an entry in ClinVar:

ClinVar aggregate classification (germline): Uncertain significance (1 of 4 stars; one submission).

Conditions:
Hereditary cancer-predisposing syndrome. Also called: Neoplastic Syndromes, Hereditary; Tumor predisposition; Hereditary Cancer Syndrome; Hereditary neoplastic syndrome. Identifiers: Orphanet 140162, MedGen C0027672, MeSH D009386, MONDO:0015356.

Submission:

Ambry Genetics
Classification: Uncertain significance for Hereditary cancer-predisposing syndrome. Last evaluated: 2025-10-06. Review status: criteria provided, single submitter. Criteria: Ambry Variant Classification Scheme 2023. Collection method: clinical testing. Allele origin: germline.
Comment: The p.L616M variant (also known as c.1846T>A), located in coding exon 14 of the APC gene, results from a T to A substitution at nucleotide position 1846. The leucine at codon 616 is replaced by methionine, an amino acid with highly similar properties. This amino acid position is conserved. In addition, in silico predictors for this gene do not accurately predict pathogenicity. Based on the available evidence, the clinical significance of this variant remains unclear.

NM_000038.6(APC):c.1846T>A (p.Leu616Met)

Gene: APC (APC regulator of Wnt signaling pathway; plus strand). Cytogenetic location: 5q22.2.
Variant type: single nucleotide variant.
Coding change: c.1846T>A on transcript NM_000038.6 (MANE Select); coding-DNA position 1846, T replaced by A.
Protein change: p.Leu616Met; replaces leucine 616 with methionine.
Molecular consequence: missense variant. On other transcripts: non-coding transcript variant (2).
Genome position (GRCh38, 1-based): chr5:112,835,053, T>A. VCF-style: chr5-112835053-T-A. GRCh37 (hg19) VCF-style: chr5-112170750-T-A.
Other names: c.1846T>A, p.Leu616Met (NM_001127510.3, NM_001354895.2, NM_001407450.1); c.1792T>A, p.Leu598Met (NM_001127511.3); c.1900T>A, p.Leu634Met (NM_001354896.2, NM_001407447.1, NM_001407448.1 and 1 more transcripts); c.1876T>A, p.Leu626Met (NM_001354897.2); c.1771T>A, p.Leu591Met (NM_001354898.2); c.1762T>A, p.Leu588Met (NM_001354899.2); c.1723T>A, p.Leu575Met (NM_001354900.2); c.1669T>A, p.Leu557Met (NM_001354901.2, NM_001407453.1); and 11 more; short protein forms L333M, L487M, L490M, L533M, L609M, L606M, L616M, L644M.
Identifiers: ClinVar variation 4580788 (VCV004580788.1).